The following is an entry in ClinVar:

ClinVar aggregate classification (germline): Uncertain significance (1 of 4 stars; one submission).

Allele frequency attached by ClinVar (database versions not stated): gnomAD exomes below 0.00001.
gnomAD v4.1: 1 of 1,611,730 alleles (0.000062%); highest among the groups gnomAD compares: Non-Finnish European, 0.000085%; no homozygotes.

Submission:

Labcorp Genetics (formerly Invitae), Labcorp
Classification: Uncertain significance. Last evaluated: 2022-01-06. Review status: criteria provided, single submitter. Criteria: Invitae Variant Classification Sherloc (09022015). Collection method: clinical testing. Allele origin: germline.
Comment: ClinVar contains an entry for this variant (Variation ID: 1004661). This sequence change replaces glutamine, which is neutral and polar, with arginine, which is basic and polar, at codon 1220 of the ADGRV1 protein (p.Gln1220Arg). This variant is not present in population databases (gnomAD no frequency). This variant has not been reported in the literature in individuals affected with ADGRV1-related conditions. Algorithms developed to predict the effect of missense changes on protein structure and function (SIFT, PolyPhen-2, Align-GVGD) all suggest that this variant is likely to be tolerated. In summary, the available evidence is currently insufficient to determine the role of this variant in disease. Therefore, it has been classified as a Variant of Uncertain Significance.

NM_032119.4(ADGRV1):c.3659A>G (p.Gln1220Arg)

Gene: ADGRV1 (adhesion G protein-coupled receptor V1; plus strand). Cytogenetic location: 5q14.3.
Variant type: single nucleotide variant.
Coding change: c.3659A>G on transcript NM_032119.4 (MANE Select); coding-DNA position 3659, A replaced by G.
Protein change: p.Gln1220Arg; replaces glutamine 1220 with arginine.
Molecular consequence: missense variant. On other transcripts: non-coding transcript variant (1).
Genome position (GRCh38, 1-based): chr5:90,653,233, A>G. VCF-style: chr5-90653233-A-G. GRCh37 (hg19) VCF-style: chr5-89949050-A-G.
Other names: short protein forms Q1220R.
Identifiers: ClinVar variation 1004661 (VCV001004661.7), dbSNP rs1768897898, ClinGen allele CA360398233.
Genomic context (GRCh38, chr5:90,653,233, plus strand): 5'-ATTCTAGTTTCTCACTCATAAATTTTCTTGTTACAGGTGGATCCCCAGGTCCTGGGGGCC[A>G]GCTAGCAGAAACCAACCTCCAGGTGACAGTAATGGTTCCATTCAATGATGATCCCTTTGG-3'
Protein context (NP_115495.3, residues 1210-1230): ISGGSPGPGG[Gln1220Arg]LAETNLQVTV